The following is an entry in ClinVar:

ClinVar aggregate classification (germline): Uncertain significance (1 of 4 stars; one submission).

Submission:

GeneDx
Classification: Uncertain significance. Last evaluated: 2024-04-24. Review status: criteria provided, single submitter. Criteria: GeneDx Variant Classification Process June 2021. Collection method: clinical testing. Allele origin: germline. Affected: yes.
Comment: Not observed at significant frequency in large population cohorts (gnomAD); In silico analysis is inconclusive as to whether the variant alters gene splicing. In the absence of RNA/functional studies, the actual effect of this sequence change is unknown.; Has not been previously published as pathogenic or benign to our knowledge

NM_006494.4(ERF):c.21A>G (p.Thr7=)

Gene: ERF (ETS2 repressor factor; minus strand). Cytogenetic location: 19q13.2.
Variant type: single nucleotide variant.
Coding change: c.21A>G on transcript NM_006494.4 (MANE Select); coding-DNA position 21, A replaced by G.
Protein change: p.Thr7=; no amino-acid change (threonine 7 retained).
Molecular consequence: synonymous variant. On other transcripts: intron variant (1).
Genome position (GRCh38, 1-based): chr19:42,254,979, T>C on the plus strand (A>G on the coding strand, the complement: ERF is on the minus strand). VCF-style: chr19-42254979-T-C. GRCh37 (hg19) VCF-style: chr19-42759131-T-C.
Other names: c.-204+125A>G (NM_001312656.2).
Identifiers: ClinVar variation 3373021 (VCV003373021.1).
Genomic context (GRCh38, chr19:42,254,979, plus strand): 5'-TCTCCGTTCGGTTTCCCGGGGCAACAAGTCTCCCCCACACGTGCTGCCCCCGCCCCCACC[T>C]GTGTCCGCCGGGGTCTTCATGCTGGGGGGCCCGGGGCGAAGCGCCCCGATTCCGGGCCGC-3'
Protein context (NP_006485.2, residues 1-17): MKTPAD[Thr7=]GFAFPDWAYK